The following is an entry in ClinVar:

NM_025137.4(SPG11):c.4072A>C (p.Ser1358Arg)

Gene: SPG11 (SPG11 vesicle trafficking associated, spatacsin; minus strand). Cytogenetic location: 15q21.1.
Variant type: single nucleotide variant.
Coding change: c.4072A>C on transcript NM_025137.4 (MANE Select); coding-DNA position 4072, A replaced by C.
Protein change: p.Ser1358Arg; replaces serine 1358 with arginine.
Molecular consequence: missense variant.
Genome position (GRCh38, 1-based): chr15:44,596,873, T>G on the plus strand (A>C on the coding strand, the complement: SPG11 is on the minus strand). VCF-style: chr15-44596873-T-G. GRCh37 (hg19) VCF-style: chr15-44889071-T-G.
Other names: c.4072A>C, p.Ser1358Arg (NM_001160227.2, NM_001411132.1); short protein forms S1358R.
Identifiers: ClinVar variation 1737564 (VCV001737564.2), dbSNP rs751176603, ClinGen allele CA7534771.

ClinVar aggregate classification (germline): Uncertain significance (1 of 4 stars; one submission).

Conditions:
Inborn genetic diseases. Identifiers: MedGen C0950123, MeSH D030342.

Allele frequency attached by ClinVar (database versions not stated): gnomAD exomes 0.00002; TOPMed 0.00003; ExAC 0.00005.
gnomAD v4.1: 13 of 1,614,028 alleles (0.00081%); highest among the groups gnomAD compares: Admixed American, 0.022%; no homozygotes.

Submission:

Ambry Genetics
Classification: Uncertain significance for Inborn genetic diseases. Last evaluated: 2021-02-23. Review status: criteria provided, single submitter. Criteria: Ambry Variant Classification Scheme 2023. Collection method: clinical testing. Allele origin: germline.
Comment: The p.S1358R variant (also known as c.4072A>C), located in coding exon 24 of the SPG11 gene, results from an A to C substitution at nucleotide position 4072. The serine at codon 1358 is replaced by arginine, an amino acid with dissimilar properties. This amino acid position is highly conserved in available vertebrate species. In addition, this alteration is predicted to be deleterious by in silico analysis. Since supporting evidence is limited at this time, the clinical significance of this alteration remains unclear.